The following is an entry in ClinVar:

ClinVar aggregate classification (germline): Likely pathogenic (1 of 4 stars; one submission).

Conditions:
Fanconi anemia complementation group J. Also called: BRIP1-Related Fanconi Anemia. Identifiers: Orphanet 84, MedGen C1836860, MONDO:0012187, OMIM 609054.
Familial cancer of breast. Also called: BREAST CANCER, FAMILIAL; Hereditary breast cancer; hereditary breast carcinoma. Identifiers: Orphanet 227535, MedGen C0346153, MONDO:0016419, OMIM 114480. Disease mechanism: loss of function.

Submission:

Labcorp Genetics (formerly Invitae), Labcorp
Classification: Likely pathogenic for Familial cancer of breast; Fanconi anemia complementation group J. Last evaluated: 2024-03-08. Review status: criteria provided, single submitter. Criteria: Invitae Variant Classification Sherloc (09022015). Collection method: clinical testing. Allele origin: germline.
Comment: This variant, c.2535_2537del, results in the deletion of 1 amino acid(s) of the BRIP1 protein (p.Asp847del), but otherwise preserves the integrity of the reading frame. RNA analysis indicates that this variant induces altered splicing and may result in an absent or disrupted protein product. This variant is not present in population databases (gnomAD no frequency). This variant has not been reported in the literature in individuals affected with BRIP1-related conditions. Studies have shown that this variant results in skipping of exon 18 and introduces a premature termination codon (Invitae). The resulting mRNA is expected to undergo nonsense-mediated decay. In summary, the currently available evidence indicates that the variant is pathogenic, but additional data are needed to prove that conclusively. Therefore, this variant has been classified as Likely Pathogenic.

NM_032043.3(BRIP1):c.2535_2537del (p.Asp847del)

Gene: BRIP1 (BRCA1 interacting DNA helicase 1; minus strand). Cytogenetic location: 17q23.2.
Variant type: Deletion.
Coding change: c.2535_2537del on transcript NM_032043.3 (MANE Select); coding-DNA positions 2535 to 2537, 3 bases deleted (GGA; older notation c.2535_2537delGGA).
Protein change: p.Asp847del; deletes aspartic acid 847.
Molecular consequence: inframe deletion.
Genome position (GRCh38, 1-based): chr17:61,693,468-61,693,470, TCC deleted on the plus strand (GGA on the coding strand, the reverse complement: BRIP1 is on the minus strand). VCF-style (leftmost placement, unchanged base first): chr17-61693467-ATCC-A. GRCh37 (hg19) VCF-style: chr17-59770828-ATCC-A.
Other names: short protein forms D847del.
Identifiers: ClinVar variation 3755181 (VCV003755181.2).